The following is an entry in ClinVar:

NM_005883.3(APC2):c.17C>T (p.Ala6Val)

Gene: APC2 (APC regulator of Wnt signaling pathway 2; plus strand). Cytogenetic location: 19p13.3.
Variant type: single nucleotide variant.
Coding change: c.17C>T on transcript NM_005883.3 (MANE Select); coding-DNA position 17, C replaced by T.
Protein change: p.Ala6Val; replaces alanine 6 with valine.
Molecular consequence: missense variant.
Genome position (GRCh38, 1-based): chr19:1,453,018, C>T. VCF-style: chr19-1453018-C-T. GRCh37 (hg19) VCF-style: chr19-1453017-C-T.
Other names: c.17C>T, p.Ala6Val (NM_001351273.1); short protein forms A6V.
Identifiers: ClinVar variation 789110 (VCV000789110.13), dbSNP rs200897976, ClinGen allele CA9044580.

ClinVar aggregate classification (germline): Likely benign. Review status: criteria provided, multiple submitters, no conflicts (2 of 4 stars). 3 submissions from 3 submitters: Likely benign (2). 1 of the submissions does not count toward it. Last evaluated 2026-01-21.

Conditions:
APC2-related disorder. Also called: APC2-Related Disorders; APC2-related condition.

Allele frequency attached by ClinVar (database versions not stated): ESP Exome Variant Server 0.00023; gnomAD 0.00026 and 0.00040; TOPMed 0.00044; ExAC 0.00068; gnomAD exomes 0.00069; 1000 Genomes Project 30x 0.00219; 1000 Genomes Project 0.00240.
gnomAD v4.1: 421 of 1,611,232 alleles (0.026%); highest among the groups gnomAD compares: East Asian, 0.41%; 2 homozygotes.

Submissions (3):

Labcorp Genetics (formerly Invitae), Labcorp
Classification: Likely benign. Last evaluated: 2026-01-21. Review status: criteria provided, single submitter. Criteria: Invitae Variant Classification Sherloc (09022015). Collection method: clinical testing. Allele origin: germline.

Breakthrough Genomics
Classification: Likely benign. Review status: criteria provided, single submitter. Criteria: ACMG Guidelines, 2015. Collection method: not provided. Allele origin: germline. Inheritance: Autosomal recessive inheritance. Affected: yes.

PreventionGenetics, part of Exact Sciences
Classification: Likely benign for APC2-related condition. Last evaluated: 2023-03-07. Review status: no assertion criteria provided. Collection method: clinical testing. Allele origin: germline. Not counted in ClinVar's aggregate classification.
Comment: This variant is classified as likely benign based on ACMG/AMP sequence variant interpretation guidelines (Richards et al. 2015 PMID: 25741868, with internal and published modifications).